The following is an entry in ClinVar:

NM_020832.3(ZNF687):c.3701T>C (p.Val1234Ala)

Gene: ZNF687 (zinc finger protein 687; plus strand). Cytogenetic location: 1q21.3.
Variant type: single nucleotide variant.
Coding change: c.3701T>C on transcript NM_020832.3 (MANE Select); coding-DNA position 3701, T replaced by C.
Protein change: p.Val1234Ala; replaces valine 1234 with alanine.
Molecular consequence: missense variant.
Genome position (GRCh38, 1-based): chr1:151,291,196, T>C. VCF-style: chr1-151291196-T-C. GRCh37 (hg19) VCF-style: chr1-151263672-T-C.
Other names: c.3701T>C, p.Val1234Ala (NM_001304763.2, NM_001304764.2); short protein forms V1234A.
Identifiers: ClinVar variation 4752903 (VCV004752903.1).

ClinVar aggregate classification (germline): Uncertain significance (1 of 4 stars; one submission).

gnomAD v4.1: 6 of 1,610,222 alleles (0.00037%); highest among the groups gnomAD compares: Non-Finnish European, 0.00051%; no homozygotes.

Submission:

Labcorp Genetics (formerly Invitae), Labcorp
Classification: Uncertain significance. Last evaluated: 2025-05-22. Review status: criteria provided, single submitter. Criteria: Invitae Variant Classification Sherloc (09022015). Collection method: clinical testing. Allele origin: germline.
Comment: This sequence change replaces valine, which is neutral and non-polar, with alanine, which is neutral and non-polar, at codon 1234 of the ZNF687 protein (p.Val1234Ala). This variant is not present in population databases (gnomAD no frequency). This variant has not been reported in the literature in individuals affected with ZNF687-related conditions. An algorithm developed to predict the effect of missense changes on protein structure and function (PolyPhen-2) suggests that this variant is likely to be tolerated. In summary, the available evidence is currently insufficient to determine the role of this variant in disease. Therefore, it has been classified as a Variant of Uncertain Significance.